The following is an entry in ClinVar:

ClinVar aggregate classification (germline): Uncertain significance (1 of 4 stars; one submission).

Submission:

Labcorp Genetics (formerly Invitae), Labcorp
Classification: Uncertain significance. Last evaluated: 2019-10-03. Review status: criteria provided, single submitter. Criteria: Invitae Variant Classification Sherloc (09022015). Collection method: clinical testing. Allele origin: germline.
Comment: This variant has not been reported in the literature in individuals with SMARCB1-related disease. This variant is not present in population databases (ExAC no frequency). This sequence change replaces valine with glycine at codon 145 of the SMARCB1 protein (p.Val145Gly). The valine residue is highly conserved and there is a moderate physicochemical difference between valine and glycine. In summary, the available evidence is currently insufficient to determine the role of this variant in disease. Therefore, it has been classified as a Variant of Uncertain Significance. Algorithms developed to predict the effect of missense changes on protein structure and function (SIFT, PolyPhen-2, Align-GVGD) all suggest that this variant is likely to be disruptive, but these predictions have not been confirmed by published functional studies and their clinical significance is uncertain.

NM_003073.5(SMARCB1):c.434T>G (p.Val145Gly)

Gene: SMARCB1 (SWI/SNF related BAF chromatin remodeling complex subunit B1; plus strand). Cytogenetic location: 22q11.23.
Variant type: single nucleotide variant.
Coding change: c.434T>G on transcript NM_003073.5 (MANE Select); coding-DNA position 434, T replaced by G.
Protein change: p.Val145Gly; replaces valine 145 with glycine.
Molecular consequence: missense variant.
Genome position (GRCh38, 1-based): chr22:23,801,015, T>G. VCF-style: chr22-23801015-T-G. GRCh37 (hg19) VCF-style: chr22-24143202-T-G.
Other names: c.407T>G, p.Val136Gly (NM_001007468.3, NM_001317946.2); c.434T>G, p.Val145Gly (NM_001362877.2); c.434T>G (LRG_520t1); short protein forms V136G, V145G.
Identifiers: ClinVar variation 646868 (VCV000646868.10), dbSNP rs1601401889, ClinGen allele CA410934449.